The following is an entry in ClinVar:

ClinVar aggregate classification (germline): Uncertain significance (1 of 4 stars; one submission).

Conditions:
Tuberous sclerosis 2 (TSC2). Identifiers: Orphanet 805, MedGen C1860707, MONDO:0013199, OMIM 613254.

Submission:

Labcorp Genetics (formerly Invitae), Labcorp
Classification: Uncertain significance for Tuberous sclerosis 2. Last evaluated: 2025-01-12. Review status: criteria provided, single submitter. Criteria: Invitae Variant Classification Sherloc (09022015). Collection method: clinical testing. Allele origin: germline.
Comment: This sequence change replaces proline, which is neutral and non-polar, with arginine, which is basic and polar, at codon 1441 of the TSC2 protein (p.Pro1441Arg). This variant is not present in population databases (gnomAD no frequency). This variant has not been reported in the literature in individuals affected with TSC2-related conditions. Invitae Evidence Modeling of protein sequence and biophysical properties (such as structural, functional, and spatial information, amino acid conservation, physicochemical variation, residue mobility, and thermodynamic stability) indicates that this missense variant is not expected to disrupt TSC2 protein function with a negative predictive value of 95%. In summary, the available evidence is currently insufficient to determine the role of this variant in disease. Therefore, it has been classified as a Variant of Uncertain Significance.

NM_000548.5(TSC2):c.4322C>G (p.Pro1441Arg)

Gene: TSC2 (TSC complex subunit 2; plus strand). Cytogenetic location: 16p13.3.
Variant type: single nucleotide variant.
Coding change: c.4322C>G on transcript NM_000548.5 (MANE Select); coding-DNA position 4322, C replaced by G.
Protein change: p.Pro1441Arg; replaces proline 1441 with arginine.
Molecular consequence: missense variant. On other transcripts: non-coding transcript variant (5).
Genome position (GRCh38, 1-based): chr16:2,084,544, C>G. VCF-style: chr16-2084544-C-G. GRCh37 (hg19) VCF-style: chr16-2134545-C-G.
Other names: c.3524C>G, p.Pro1175Arg (NM_001406686.1, NM_001406685.1); c.3521C>G, p.Pro1174Arg (NM_001406687.1, NM_001406688.1); c.2909C>G, p.Pro970Arg (NM_001406689.1); c.2849C>G, p.Pro950Arg (NM_001406690.1); c.2846C>G, p.Pro949Arg (NM_001406691.1); c.2780C>G, p.Pro927Arg (NM_001406692.1, NM_001406693.1, NM_001406694.1); c.2777C>G, p.Pro926Arg (NM_001406695.1, NM_001406696.1, NM_001406697.1); c.4253C>G, p.Pro1418Arg (NM_001114382.3); and 26 more; short protein forms P1197R, P1217R, P1338R, P1355R, P1371R, P1385R, P1398R, P1404R.
Identifiers: ClinVar variation 3637237 (VCV003637237.2).